The following is an entry in ClinVar:

NM_033109.5(PNPT1):c.1553A>G (p.Asp518Gly)

Gene: PNPT1 (polyribonucleotide nucleotidyltransferase 1; minus strand). Cytogenetic location: 2p16.1.
Variant type: single nucleotide variant.
Coding change: c.1553A>G on transcript NM_033109.5 (MANE Select); coding-DNA position 1553, A replaced by G.
Protein change: p.Asp518Gly; replaces aspartic acid 518 with glycine.
Molecular consequence: missense variant.
Genome position (GRCh38, 1-based): chr2:55,647,396, T>C on the plus strand (A>G on the coding strand, the complement: PNPT1 is on the minus strand). VCF-style: chr2-55647396-T-C. GRCh37 (hg19) VCF-style: chr2-55874531-T-C.
Other names: c.1553A>G (NM_033109.3); short protein forms D518G.
Identifiers: ClinVar variation 1524534 (VCV001524534.6), dbSNP rs756961965, ClinGen allele CA1668032.

ClinVar aggregate classification (germline): Uncertain significance. Review status: criteria provided, multiple submitters, no conflicts (2 of 4 stars). 2 submissions from 2 submitters: Uncertain significance (2). Last evaluated 2023-03-24.

Conditions:
Inborn genetic diseases. Identifiers: MedGen C0950123, MeSH D030342.

Allele frequency attached by ClinVar (database versions not stated): ExAC 0.00001; gnomAD 0.00001; gnomAD exomes 0.00001; TOPMed 0.00001.
gnomAD v4.1: 16 of 1,609,912 alleles (0.00099%); highest among the groups gnomAD compares: African/African-American, 0.0013%; no homozygotes.

Submissions (2):

Ambry Genetics
Classification: Uncertain significance for Inborn genetic diseases. Last evaluated: 2023-03-24. Review status: criteria provided, single submitter. Criteria: Ambry Variant Classification Scheme 2023. Collection method: clinical testing. Allele origin: germline.

Labcorp Genetics (formerly Invitae), Labcorp
Classification: Uncertain significance. Last evaluated: 2021-09-24. Review status: criteria provided, single submitter. Criteria: Invitae Variant Classification Sherloc (09022015). Collection method: clinical testing. Allele origin: germline.
Comment: This sequence change replaces aspartic acid with glycine at codon 518 of the PNPT1 protein (p.Asp518Gly). The aspartic acid residue is weakly conserved and there is a moderate physicochemical difference between aspartic acid and glycine. This variant is present in population databases (rs756961965, ExAC 0.001%). This variant has not been reported in the literature in individuals with PNPT1-related conditions. Advanced modeling of protein sequence and biophysical properties (such as structural, functional, and spatial information, amino acid conservation, physicochemical variation, residue mobility, and thermodynamic stability) performed at Invitae indicates that this missense variant is not expected to disrupt PNPT1 protein function. In summary, the available evidence is currently insufficient to determine the role of this variant in disease. Therefore, it has been classified as a Variant of Uncertain Significance.